The following is an entry in ClinVar:

ClinVar aggregate classification (germline): Uncertain significance. Review status: criteria provided, multiple submitters, no conflicts (2 of 4 stars). 2 submissions from 2 submitters: Uncertain significance (2). Last evaluated 2024-04-17.

Conditions:
Neurofibromatosis, type 1 (NF1). Also called: Peripheral type neurofibromatosis; VON RECKLINGHAUSEN DISEASE; NEUROFIBROMATOSIS, TYPE I, SOMATIC; Neurofibromatosis, type I. Identifiers: Orphanet 636, MedGen C0027831, MONDO:0018975, OMIM 162200. Disease mechanism: loss of function.

Submissions (2):

Labcorp Genetics (formerly Invitae), Labcorp
Classification: Uncertain significance for Neurofibromatosis, type 1. Last evaluated: 2024-04-17. Review status: criteria provided, single submitter. Criteria: Invitae Variant Classification Sherloc (09022015). Collection method: clinical testing. Allele origin: germline.
Comment: This sequence change replaces cysteine, which is neutral and slightly polar, with serine, which is neutral and polar, at codon 1771 of the NF1 protein (p.Cys1771Ser). This variant is not present in population databases (gnomAD no frequency). This variant has not been reported in the literature in individuals affected with NF1-related conditions. ClinVar contains an entry for this variant (Variation ID: 1710969). Advanced modeling of protein sequence and biophysical properties (such as structural, functional, and spatial information, amino acid conservation, physicochemical variation, residue mobility, and thermodynamic stability) performed at Invitae indicates that this missense variant is expected to disrupt NF1 protein function with a positive predictive value of 95%. In summary, the available evidence is currently insufficient to determine the role of this variant in disease. Therefore, it has been classified as a Variant of Uncertain Significance.

St. Jude Molecular Pathology, St. Jude Children's Research Hospital
Classification: Uncertain significance for Neurofibromatosis, type 1. Last evaluated: 2022-08-02. Review status: criteria provided, single submitter. Criteria: St. Jude Assertion Criteria 2020. Collection method: clinical testing. Allele origin: germline.
Comment: The NF1 c.5312G>C (p.Cys1771Ser) missense change is absent in gnomAD v2.1.1. The in silico tool REVEL is inconclusive about a pathogenic or benign effect of this variant on protein function, and to our knowledge functional studies have not been performed. This variant occurs in a gene where missense variants are more likely to be damaging based on methods described by Lek et al. (PMID: 27535533). To our knowledge, this variant has not been reported in individuals with Neurofibromatosis type 1. In summary, the evidence currently available is insufficient to determine the clinical significance of this variant. It has therefore been classified as of uncertain significance.

NM_001042492.3(NF1):c.5375G>C (p.Cys1792Ser)

Gene: NF1 (neurofibromin 1; plus strand). Cytogenetic location: 17q11.2.
Variant type: single nucleotide variant.
Coding change: c.5375G>C on transcript NM_001042492.3 (MANE Select); coding-DNA position 5375, G replaced by C.
Protein change: p.Cys1792Ser; replaces cysteine 1792 with serine.
Molecular consequence: missense variant.
Genome position (GRCh38, 1-based): chr17:31,327,605, G>C. VCF-style: chr17-31327605-G-C. GRCh37 (hg19) VCF-style: chr17-29654623-G-C.
Other names: c.5312G>C, p.Cys1771Ser (NM_000267.4); short protein forms C1771S, C1792S.
Identifiers: ClinVar variation 1710969 (VCV001710969.3), dbSNP rs1263046457, ClinGen allele CA399009298.